The following is an entry in ClinVar:

ClinVar aggregate classification (germline): Benign (1 of 4 stars; one submission).

Allele frequency attached by ClinVar (database versions not stated): 1000 Genomes Project 0.70248; gnomAD 0.71025 and 0.71913.
gnomAD v4.1: 96,707 of 134,310 alleles (72%); highest among the groups gnomAD compares: East Asian, 89%; 35,133 homozygotes.

Submission:

GeneDx
Classification: Benign. Last evaluated: 2018-06-19. Review status: criteria provided, single submitter. Criteria: GeneDx Variant Classification (06012015). Collection method: clinical testing. Allele origin: germline. Affected: yes.
Comment: This variant is considered likely benign or benign based on one or more of the following criteria: it is a conservative change, it occurs at a poorly conserved position in the protein, it is predicted to be benign by multiple in silico algorithms, and/or has population frequency not consistent with disease.

NM_022132.5(MCCC2):c.1149+179C>T

Gene: MCCC2 (methylcrotonyl-CoA carboxylase subunit 2; plus strand). Cytogenetic location: 5q13.2.
Variant type: single nucleotide variant.
Coding change: c.1149+179C>T on transcript NM_022132.5 (MANE Select); 179 bases into the intron after coding-DNA position 1149, C replaced by T.
Molecular consequence: intron variant.
Genome position (GRCh38, 1-based): chr5:71,644,074, C>T. VCF-style: chr5-71644074-C-T. GRCh37 (hg19) VCF-style: chr5-70939901-C-T.
Other names: c.1035+179C>T (NM_001363147.1).
Identifiers: ClinVar variation 684222 (VCV000684222.1), dbSNP rs58751826, ClinGen allele CA120000018.